The following is an entry in ClinVar:

NM_000088.4(COL1A1):c.288del (p.Asp97fs)

Gene: COL1A1 (collagen type I alpha 1 chain; minus strand). Cytogenetic location: 17q21.33.
Variant type: Deletion.
Coding change: c.288del on transcript NM_000088.4 (MANE Select); coding-DNA position 288, one base deleted (C; older notation c.288delC).
Protein change: p.Asp97fs; shifts the reading frame from aspartic acid 97.
Molecular consequence: frameshift variant.
Genome position (GRCh38, 1-based): chr17:50,199,763, G deleted on the plus strand (C on the coding strand, the reverse complement: COL1A1 is on the minus strand); the first of 4 consecutive G bases (chr17:50,199,763-50,199,766); deleting any one gives the same sequence. VCF-style (leftmost placement, unchanged base first): chr17-50199762-CG-C. GRCh37 (hg19) VCF-style: chr17-48277123-CG-C.
Other names: short protein forms D97fs.
Identifiers: ClinVar variation 1076006 (VCV001076006.12), dbSNP rs2144593759, ClinGen allele CA2499224741.

ClinVar aggregate classification (germline): Pathogenic. Review status: criteria provided, multiple submitters, no conflicts (2 of 4 stars). 3 submissions from 3 submitters: Pathogenic (3). Last evaluated 2025-07-28.

Conditions:
Cardiovascular phenotype. Identifiers: MedGen CN230736.
Ehlers-Danlos syndrome, arthrochalasia type. Also called: Ehlers-Danlos syndrome, arthrochalasis type; ARTHROCHALASIS MULTIPLEX CONGENITA; EDS VII, MUTANT PROCOLLAGEN TYPE; EDS VIIA; Ehlers-Danlos syndrome, arthrochalasia type, 1. Identifiers: Orphanet 1899, Orphanet 99875, Orphanet 99876, MedGen C4551623, MONDO:0007525, OMIM 130060.
Osteogenesis imperfecta, perinatal lethal (OI2). Also called: OI, TYPE II; OSTEOGENESIS IMPERFECTA CONGENITA; VROLIK TYPE OF OSTEOGENESIS IMPERFECTA; Osteogenesis imperfecta type 2; Osteogenesis imperfecta, dominant perinatal lethal; OSTEOGENESIS IMPERFECTA, TYPE II. Identifiers: Orphanet 216804, MedGen C0268358, MONDO:0008147, OMIM 166210.
Osteogenesis imperfecta type III (OI3). Also called: Progressively Deforming Osteogenesis Imperfecta; Osteogenesis imperfecta type 3; OI type 3; Osteogenesis imperfecta, progressively deforming with normal sclerae; OI type III. Identifiers: Orphanet 216812, Orphanet 666, MedGen C0268362, MONDO:0009804, OMIM 259420.
Osteogenesis imperfecta type I (OI1). Also called: OI, TYPE I; OSTEOGENESIS IMPERFECTA TARDA; OSTEOGENESIS IMPERFECTA WITH BLUE SCLERAE; Osteogenesis imperfecta type 1; Classic Non-deforming Osteogenesis Imperfecta with Blue Sclerae; Lobstein's Disease. Identifiers: Orphanet 216796, Orphanet 666, MedGen C0023931, MONDO:0008146, OMIM 166200. Disease mechanism: loss of function.
Combined osteogenesis imperfecta and Ehlers-Danlos syndrome 1. Also called: OIEDS SYNDROME 1. Identifiers: MedGen C5436842, MONDO:0030854, OMIM 619115.
Osteoporosis. Identifiers: MedGen C0029456, MONDO:0005298, OMIM 166710, HP:0000939.
Osteogenesis imperfecta with normal sclerae, dominant form (OI4). Also called: OSTEOGENESIS IMPERFECTA WITH NORMAL SCLERAE; Osteogenesis imperfecta type 4; Common Variable Osteogenesis Imperfecta with Normal Sclerae; OSTEOGENESIS IMPERFECTA, TYPE IV, WITH DENTINOGENESIS IMPERFECTA; Osteogenesis Imperfecta Type IV. Identifiers: Orphanet 216820, Orphanet 666, MedGen C0268363, MONDO:0008148, OMIM 166220.
Infantile cortical hyperostosis. Also called: P1PK BLOOD GROUP SYSTEM, P(2) PHENOTYPE; Caffey Disease; Hyperostosis, Cortical, Congenital. Identifiers: Orphanet 1310, MedGen C0020497, MONDO:0007244, OMIM 114000.

Submissions (3):

Labcorp Genetics (formerly Invitae), Labcorp
Classification: Pathogenic for Osteogenesis imperfecta type I. Last evaluated: 2025-07-28. Review status: criteria provided, single submitter. Criteria: Invitae Variant Classification Sherloc (09022015). Collection method: clinical testing. Allele origin: germline.
Comment: This sequence change creates a premature translational stop signal (p.Asp97Thrfs*168) in the COL1A1 gene. It is expected to result in an absent or disrupted protein product. Loss-of-function variants in COL1A1 are known to be pathogenic (PMID: 7942841, 9295084, 9443882). This variant is not present in population databases (gnomAD no frequency). This premature translational stop signal has been observed in individual(s) with osteogenesis imperfecta (internal data). ClinVar contains an entry for this variant (Variation ID: 1076006). For these reasons, this variant has been classified as Pathogenic.

Fulgent Genetics
Classification: Pathogenic for Infantile cortical hyperostosis; Ehlers-Danlos syndrome, arthrochalasia type; Osteogenesis imperfecta type I; Osteogenesis imperfecta, perinatal lethal; Osteogenesis imperfecta with normal sclerae, dominant form; Osteoporosis; Osteogenesis imperfecta type III; Combined osteogenesis imperfecta and Ehlers-Danlos syndrome 1. Last evaluated: 2021-11-17. Review status: criteria provided, single submitter. Criteria: ACMG Guidelines, 2015. Collection method: clinical testing. Allele origin: unknown.

Ambry Genetics
Classification: Pathogenic for Cardiovascular phenotype. Last evaluated: 2021-06-25. Review status: criteria provided, single submitter. Criteria: Ambry Variant Classification Scheme 2023. Collection method: clinical testing. Allele origin: germline.
Comment: The c.288delC pathogenic mutation, located in coding exon 2 of the COL1A1 gene, results from a deletion of one nucleotide at nucleotide position 288, causing a translational frameshift with a predicted alternate stop codon (p.D97Tfs*168). This alteration is expected to result in loss of function by premature protein truncation or nonsense-mediated mRNA decay. As such, this alteration is interpreted as a disease-causing mutation.

Literature cited by the submitters: PubMed 7942841 (cited by Labcorp Genetics (formerly Invitae), Labcorp); PubMed 9295084 (cited by Labcorp Genetics (formerly Invitae), Labcorp); PubMed 9443882 (cited by Labcorp Genetics (formerly Invitae), Labcorp); PubMed 30614853 (cited by Ambry Genetics).